The following is an entry in ClinVar:

ClinVar aggregate classification (germline): Conflicting classifications of pathogenicity. Review status: criteria provided, conflicting classifications (1 of 4 stars). 5 submissions from 5 submitters: Uncertain significance (2); Likely benign (3). Last evaluated 2026-01-27.

Conditions:
Familial thoracic aortic aneurysm and aortic dissection (TAAD). Also called: Thoracic aortic aneurysms and dissections. Identifiers: Orphanet 91387, MedGen C4707243, MONDO:0019625.
Congenital contractural arachnodactyly (CCA). Also called: BEALS SYNDROME; Arthrogryposis, distal, type 9; Beals-Hecht syndrome. Identifiers: Orphanet 115, MedGen C0220668, MONDO:0007363, OMIM 121050.

Allele frequency attached by ClinVar (database versions not stated): TOPMed 0.00001; gnomAD 0.00003; ESP Exome Variant Server 0.00015.
gnomAD v4.1: 64 of 1,613,846 alleles (0.004%); highest among the groups gnomAD compares: Admixed American, 0.005%; 1 homozygote.

Submissions (5):

GeneDx
Classification: Uncertain significance. Last evaluated: 2026-01-27. Review status: criteria provided, single submitter. Criteria: GeneDx Variant Classification Process June 2021. Collection method: clinical testing. Allele origin: germline. Affected: yes.
Comment: Identified in an individual with unilateral radioulnar synostosis whose unaffected father also carried the variant in published literature (PMID: 40709559); In silico analysis supports that this missense variant has a deleterious effect on protein structure/function; Although located in a calcium-binding EGF-like domain of the FBN2 gene, it does not substitute or introduce a cysteine residue (PMID: 19006240, 18767143); This variant is associated with the following publications: (PMID: 19006240, 18767143, 40709559)

Labcorp Genetics (formerly Invitae), Labcorp
Classification: Likely benign for Congenital contractural arachnodactyly. Last evaluated: 2025-09-04. Review status: criteria provided, single submitter. Criteria: Invitae Variant Classification Sherloc (09022015). Collection method: clinical testing. Allele origin: germline.

Laboratory of Genetics, Children's Clinical University Hospital Latvia
Classification: Likely benign. Last evaluated: 2025-02-16. Review status: criteria provided, single submitter. Criteria: ACMG Guidelines, 2015. Collection method: clinical testing. Allele origin: germline. Affected: yes.

Blueprint Genetics
Classification: Likely benign. Last evaluated: 2024-11-14. Review status: criteria provided, single submitter. Criteria: ACMG Guidelines, 2015. Collection method: clinical testing. Allele origin: germline.

Ambry Genetics
Classification: Uncertain significance for Familial thoracic aortic aneurysm and aortic dissection. Last evaluated: 2024-11-13. Review status: criteria provided, single submitter. Criteria: Ambry Variant Classification Scheme 2023. Collection method: clinical testing. Allele origin: germline.
Comment: The p.R1237L variant (also known as c.3710G>T), located in coding exon 28 of the FBN2 gene, results from a G to T substitution at nucleotide position 3710. The arginine at codon 1237 is replaced by leucine, an amino acid with dissimilar properties. This amino acid position is highly conserved in available vertebrate species. In addition, this alteration is predicted to be deleterious by in silico analysis. Since supporting evidence is limited at this time, the clinical significance of this alteration remains unclear.

NM_001999.4(FBN2):c.3710G>T (p.Arg1237Leu)

Gene: FBN2 (fibrillin 2; minus strand). Cytogenetic location: 5q23.3.
Variant type: single nucleotide variant.
Coding change: c.3710G>T on transcript NM_001999.4 (MANE Select); coding-DNA position 3710, G replaced by T.
Protein change: p.Arg1237Leu; replaces arginine 1237 with leucine.
Molecular consequence: missense variant.
Genome position (GRCh38, 1-based): chr5:128,336,002, C>A on the plus strand (G>T on the coding strand, the complement: FBN2 is on the minus strand). VCF-style: chr5-128336002-C-A. GRCh37 (hg19) VCF-style: chr5-127671694-C-A.
Other names: short protein forms R1237L.
Identifiers: ClinVar variation 411823 (VCV000411823.17), dbSNP rs142185964, ClinGen allele CA3395166.